The following is an entry in ClinVar:

ClinVar aggregate classification (germline): Uncertain significance (1 of 4 stars; one submission).

Allele frequency attached by ClinVar (database versions not stated): gnomAD 0.00002; gnomAD exomes 0.00002; TOPMed 0.00002.
gnomAD v4.1: 36 of 1,613,340 alleles (0.0022%); highest among the groups gnomAD compares: African/African-American, 0.004%; no homozygotes.

Submission:

Labcorp Genetics (formerly Invitae), Labcorp
Classification: Uncertain significance. Last evaluated: 2023-12-21. Review status: criteria provided, single submitter. Criteria: Invitae Variant Classification Sherloc (09022015). Collection method: clinical testing. Allele origin: germline.
Comment: This sequence change replaces methionine, which is neutral and non-polar, with valine, which is neutral and non-polar, at codon 277 of the NSUN2 protein (p.Met277Val). This variant is not present in population databases (gnomAD no frequency). This variant has not been reported in the literature in individuals affected with NSUN2-related conditions. ClinVar contains an entry for this variant (Variation ID: 2073003). Advanced modeling of protein sequence and biophysical properties (such as structural, functional, and spatial information, amino acid conservation, physicochemical variation, residue mobility, and thermodynamic stability) performed at Invitae indicates that this missense variant is not expected to disrupt NSUN2 protein function with a negative predictive value of 80%. In summary, the available evidence is currently insufficient to determine the role of this variant in disease. Therefore, it has been classified as a Variant of Uncertain Significance.

NM_017755.6(NSUN2):c.829A>G (p.Met277Val)

Gene: NSUN2 (NOP2/Sun RNA methyltransferase 2; minus strand). Cytogenetic location: 5p15.31.
Variant type: single nucleotide variant.
Coding change: c.829A>G on transcript NM_017755.6 (MANE Select); coding-DNA position 829, A replaced by G.
Protein change: p.Met277Val; replaces methionine 277 with valine.
Molecular consequence: missense variant. On other transcripts: non-coding transcript variant (1).
Genome position (GRCh38, 1-based): chr5:6,618,011, T>C on the plus strand (A>G on the coding strand, the complement: NSUN2 is on the minus strand). VCF-style: chr5-6618011-T-C. GRCh37 (hg19) VCF-style: chr5-6618124-T-C.
Other names: c.724A>G, p.Met242Val (NM_001193455.2); short protein forms M242V, M277V.
Identifiers: ClinVar variation 2073003 (VCV002073003.4), dbSNP rs930847663, ClinGen allele CA113731106.